The following is an entry in ClinVar:

ClinVar aggregate classification (germline): Benign/Likely benign. Review status: criteria provided, multiple submitters, no conflicts (2 of 4 stars). 7 submissions from 7 submitters: Benign (6); Likely benign (1). Last evaluated 2026-02-04.

Conditions:
Combined immunodeficiency and megaloblastic anemia with or without hyperhomocysteinemia. Also called: METHYLENETETRAHYDROFOLATE DEHYDROGENASE 1 DEFICIENCY; COMBINED IMMUNODEFICIENCY AND MEGALOBLASTIC ANEMIA. Identifiers: Orphanet 658813, MedGen C4540434, MONDO:0060611, OMIM 617780.

Allele frequency attached by ClinVar (database versions not stated): gnomAD exomes 0.82197 and 0.83459; 1000 Genomes Project 0.82348; gnomAD 0.82707 and 0.82895; 1000 Genomes Project 30x 0.82901; ESP Exome Variant Server 0.83154; ExAC 0.83308; TOPMed 0.83583.
gnomAD v4.1: 1,326,653 of 1,612,740 alleles (82%); highest among the groups gnomAD compares: South Asian, 92%; 547,101 homozygotes.

Submissions (7):

Labcorp Genetics (formerly Invitae), Labcorp
Classification: Benign. Last evaluated: 2026-02-04. Review status: criteria provided, single submitter. Criteria: Invitae Variant Classification Sherloc (09022015). Collection method: clinical testing. Allele origin: germline.

Blueprint Genetics
Classification: Likely benign. Last evaluated: 2024-11-27. Review status: criteria provided, single submitter. Criteria: ACMG Guidelines, 2015. Collection method: clinical testing. Allele origin: germline.

Women's Health and Genetics/Laboratory Corporation of America, LabCorp
Classification: Benign. Last evaluated: 2021-12-03. Review status: criteria provided, single submitter. Criteria: LabCorp Variant Classification Summary - May 2015. Collection method: clinical testing. Allele origin: germline.

Genome-Nilou Lab
Classification: Benign for Combined immunodeficiency and megaloblastic anemia with or without hyperhomocysteinemia. Last evaluated: 2021-09-05. Review status: criteria provided, single submitter. Criteria: ACMG Guidelines, 2015. Collection method: clinical testing. Allele origin: germline. Affected: no.

Mayo Clinic Laboratories, Mayo Clinic
Classification: Benign. Last evaluated: 2018-03-21. Review status: criteria provided, single submitter. Criteria: ACMG Guidelines, 2015. Collection method: clinical testing. Allele origin: germline. Observed: 165 variant alleles.

Laboratory for Molecular Medicine, Mass General Brigham Personalized Medicine
Classification: Benign. Last evaluated: 2016-03-29. Review status: criteria provided, single submitter. Criteria: LMM Criteria. Collection method: clinical testing. Allele origin: germline.
Comment: Variant identified in a genome or exome case(s) and assessed due to predicted null impact of the variant or pathogenic assertions in the literature or databases. Disclaimer: This variant has not undergone full assessment. The following are preliminary notes: Frequency

Breakthrough Genomics
Classification: Benign. Review status: criteria provided, single submitter. Criteria: ACMG Guidelines, 2015. Collection method: not provided. Allele origin: germline. Inheritance: Autosomal recessive inheritance. Affected: yes.

NM_005956.4(MTHFD1):c.401A>G (p.Lys134Arg)

Gene: MTHFD1 (methylenetetrahydrofolate dehydrogenase, cyclohydrolase and formyltetrahydrofolate synthetase 1; plus strand). Cytogenetic location: 14q23.3.
Variant type: single nucleotide variant.
Coding change: c.401A>G on transcript NM_005956.4 (MANE Select); coding-DNA position 401, A replaced by G.
Protein change: p.Lys134Arg; replaces lysine 134 with arginine.
Molecular consequence: missense variant.
Genome position (GRCh38, 1-based): chr14:64,415,662, A>G. VCF-style: chr14-64415662-A-G. GRCh37 (hg19) VCF-style: chr14-64882380-A-G.
Other names: c.401A>G, p.Lys134Arg (NM_001364837.1); short protein forms K134R.
Identifiers: ClinVar variation 403114 (VCV000403114.19), dbSNP rs1950902, ClinGen allele CA7225929.